The following is an entry in ClinVar:

NM_001605.3(AARS1):c.2629C>G (p.Leu877Val)

Gene: AARS1 (alanyl-tRNA synthetase 1; minus strand). Cytogenetic location: 16q22.1.
Variant type: single nucleotide variant.
Coding change: c.2629C>G on transcript NM_001605.3 (MANE Select); coding-DNA position 2629, C replaced by G.
Protein change: p.Leu877Val; replaces leucine 877 with valine.
Molecular consequence: missense variant.
Genome position (GRCh38, 1-based): chr16:70,253,360, G>C on the plus strand (C>G on the coding strand, the complement: AARS1 is on the minus strand). VCF-style: chr16-70253360-G-C. GRCh37 (hg19) VCF-style: chr16-70287263-G-C.
Other names: short protein forms L877V.
Identifiers: ClinVar variation 858521 (VCV000858521.9), dbSNP rs1959893208, ClinGen allele CA396554791.

ClinVar aggregate classification (germline): Uncertain significance (1 of 4 stars; one submission).

Conditions:
Charcot-Marie-Tooth disease type 2. Also called: Charcot-Marie-Tooth type 2. Identifiers: Orphanet 64746, MedGen C0270914, MONDO:0018993.

Allele frequency attached by ClinVar (database versions not stated): gnomAD exomes below 0.00001; TOPMed below 0.00001; gnomAD 0.00001.
gnomAD v4.1: 7 of 1,613,810 alleles (0.00043%); highest among the groups gnomAD compares: Non-Finnish European, 0.00042%; no homozygotes.

Submission:

Labcorp Genetics (formerly Invitae), Labcorp
Classification: Uncertain significance for Charcot-Marie-Tooth disease type 2. Last evaluated: 2022-09-01. Review status: criteria provided, single submitter. Criteria: Invitae Variant Classification Sherloc (09022015). Collection method: clinical testing. Allele origin: germline.
Comment: This sequence change replaces leucine, which is neutral and non-polar, with valine, which is neutral and non-polar, at codon 877 of the AARS protein (p.Leu877Val). This variant is not present in population databases (gnomAD no frequency). This variant has not been reported in the literature in individuals affected with AARS-related conditions. ClinVar contains an entry for this variant (Variation ID: 858521). Algorithms developed to predict the effect of missense changes on protein structure and function (SIFT, PolyPhen-2, Align-GVGD) all suggest that this variant is likely to be tolerated. Algorithms developed to predict the effect of sequence changes on RNA splicing suggest that this variant may create or strengthen a splice site. In summary, the available evidence is currently insufficient to determine the role of this variant in disease. Therefore, it has been classified as a Variant of Uncertain Significance.